The following is an entry in ClinVar:

ClinVar aggregate classification (germline): Uncertain significance (1 of 4 stars; one submission).

Conditions:
Neurodevelopmental disorder with or without early-onset generalized epilepsy. Identifiers: MedGen C5436914, MONDO:0030930, OMIM 619157.

Submission:

Centre for Mendelian Genomics, University Medical Centre Ljubljana
Classification: Uncertain significance for Neurodevelopmental disorder with or without early-onset generalized epilepsy. Last evaluated: 2026-07-22. Review status: criteria provided, single submitter. Criteria: ACMG Guidelines, 2015. Collection method: clinical testing. Allele origin: germline. Affected: yes. Observed: 1 variant allele.
Comment: The variant c.2054T>C has not previously been reported in the literature in patients with a similar clinical presentation. However: (1) the variant is absent from all control populations in gnomAD [PM2]; (2) in silico pathogenicity predictions favor a pathogenic effect [PP3] (CADD 27.9, REVEL 0.94, MetaDome slightly intolerant); (3) missense variants are a known pathogenic mechanism in NBEA-related disorders [PP2] (gnomAD missense Z-score 5.44, PMID:30269351); (4) the affected residue is highly conserved; and (5) the variant is compatible with the referred clinical presentation. Based on the evidence presented above, we classify the identified variant in NBEA as a variant of uncertain significance.

Literature cited by the submitters: PubMed 30269351.

NM_001385012.1(NBEA):c.2054T>C (p.Leu685Pro)

Gene: NBEA (neurobeachin; plus strand). Cytogenetic location: 13q13.3.
Variant type: single nucleotide variant.
Coding change: c.2054T>C on transcript NM_001385012.1 (MANE Select); coding-DNA position 2054, T replaced by C.
Protein change: p.Leu685Pro; replaces leucine 685 with proline.
Molecular consequence: missense variant.
Genome position (GRCh38, 1-based): chr13:35,117,465, T>C. VCF-style: chr13-35117465-T-C. GRCh37 (hg19) VCF-style: chr13-35691602-T-C.
Other names: p.Leu685Pro; c.2054T>C, p.Leu685Pro (NM_001379245.1, NM_015678.5); short protein forms L685P.
Identifiers: ClinVar variation 4871900 (VCV004871900.1).